The following is an entry in ClinVar:

ClinVar aggregate classification (germline): Uncertain significance (1 of 4 stars; one submission).

Submission:

Labcorp Genetics (formerly Invitae), Labcorp
Classification: Uncertain significance. Last evaluated: 2024-05-02. Review status: criteria provided, single submitter. Criteria: Invitae Variant Classification Sherloc (09022015). Collection method: clinical testing. Allele origin: germline.
Comment: This sequence change replaces leucine, which is neutral and non-polar, with methionine, which is neutral and non-polar, at codon 506 of the KRT3 protein (p.Leu506Met). This variant is not present in population databases (gnomAD no frequency). This variant has not been reported in the literature in individuals affected with KRT3-related conditions. Advanced modeling of protein sequence and biophysical properties (such as structural, functional, and spatial information, amino acid conservation, physicochemical variation, residue mobility, and thermodynamic stability) performed at Invitae indicates that this missense variant is expected to disrupt KRT3 protein function with a positive predictive value of 80%. In summary, the available evidence is currently insufficient to determine the role of this variant in disease. Therefore, it has been classified as a Variant of Uncertain Significance.

NM_057088.3(KRT3):c.1516C>A (p.Leu506Met)

Genes: KRT3 (keratin 3; minus strand), LOC126861527 (BRD4-independent group 4 enhancer GRCh37_chr12:53184490-53185689; plus strand). Cytogenetic location: 12q13.13.
Variant type: single nucleotide variant.
Coding change: c.1516C>A on transcript NM_057088.3 (MANE Select); coding-DNA position 1516, C replaced by A.
Protein change: p.Leu506Met; replaces leucine 506 with methionine.
Molecular consequence: missense variant.
Genome position (GRCh38, 1-based): chr12:52,791,225, G>T on the plus strand (C>A on the coding strand, the complement: KRT3 is on the minus strand). VCF-style: chr12-52791225-G-T. GRCh37 (hg19) VCF-style: chr12-53185009-G-T.
Other names: short protein forms L506M.
Identifiers: ClinVar variation 3651915 (VCV003651915.2).